The following is an entry in ClinVar:

NM_181882.3(PRX):c.902C>A (p.Pro301His)

Gene: PRX (periaxin; minus strand). Cytogenetic location: 19q13.2.
Variant type: single nucleotide variant.
Coding change: c.902C>A on transcript NM_181882.3 (MANE Select); coding-DNA position 902, C replaced by A.
Protein change: p.Pro301His; replaces proline 301 with histidine.
Molecular consequence: missense variant. On other transcripts: 3 prime UTR variant (1).
Genome position (GRCh38, 1-based): chr19:40,397,450, G>T on the plus strand (C>A on the coding strand, the complement: PRX is on the minus strand). VCF-style: chr19-40397450-G-T. GRCh37 (hg19) VCF-style: chr19-40903357-G-T.
Other names: c.*1107C>A (NM_020956.2); short protein forms P301H.
Identifiers: ClinVar variation 1003553 (VCV001003553.8), dbSNP rs1186753867, ClinGen allele CA405899460.
Genomic context (GRCh38, chr19:40,397,450, plus strand): 5'-ACCGACACAGCCCCTTCCCGGGTCTCTAGGCAGGGAAGTGTGGGCAGAGTGGGCAGTGAG[G>T]GCAAGGCAGGCAGCTCCACCTGGGGGACCTGGATTCCCACGGCTGGGGCCTCCACAGCAG-3'
Protein context (NP_870998.2, residues 291-311): QVPQVELPAL[Pro301His]SLPTLPTLPC

ClinVar aggregate classification (germline): Uncertain significance (1 of 4 stars; one submission).

Conditions:
Charcot-Marie-Tooth disease type 4. Also called: Charcot-Marie-Tooth, Type 4; Charcot-Marie-Tooth disease, type IV. Identifiers: Orphanet 64749, MedGen C4082197, MONDO:0018995.

Allele frequency attached by ClinVar (database versions not stated): gnomAD exomes below 0.00001; TOPMed 0.00001; gnomAD 0.00002.
gnomAD v4.1: 5 of 1,588,712 alleles (0.00031%); highest among the groups gnomAD compares: African/African-American, 0.0013%; no homozygotes.

Submission:

Labcorp Genetics (formerly Invitae), Labcorp
Classification: Uncertain significance for Charcot-Marie-Tooth disease type 4. Last evaluated: 2022-08-15. Review status: criteria provided, single submitter. Criteria: Invitae Variant Classification Sherloc (09022015). Collection method: clinical testing. Allele origin: germline.
Comment: In summary, the available evidence is currently insufficient to determine the role of this variant in disease. Therefore, it has been classified as a Variant of Uncertain Significance. Algorithms developed to predict the effect of missense changes on protein structure and function are either unavailable or do not agree on the potential impact of this missense change (SIFT: "Deleterious"; PolyPhen-2: "Probably Damaging"; Align-GVGD: "Class C0"). ClinVar contains an entry for this variant (Variation ID: 1003553). This variant has not been reported in the literature in individuals affected with PRX-related conditions. This variant is not present in population databases (gnomAD no frequency). This sequence change replaces proline, which is neutral and non-polar, with histidine, which is basic and polar, at codon 301 of the PRX protein (p.Pro301His).